The following is an entry in ClinVar:

ClinVar aggregate classification (germline): Uncertain significance (1 of 4 stars; one submission).

Submission:

GeneDx
Classification: Uncertain significance. Last evaluated: 2023-07-27. Review status: criteria provided, single submitter. Criteria: GeneDx Variant Classification Process June 2021. Collection method: clinical testing. Allele origin: germline. Affected: yes.
Comment: Not observed at significant frequency in large population cohorts (gnomAD); In silico analysis supports that this missense variant has a deleterious effect on protein structure/function; In silico analysis suggests this variant may impact gene splicing. In the absence of RNA/functional studies, the actual effect of this sequence change is unknown.; Has not been previously published as pathogenic or benign to our knowledge

NM_001470.4(GABBR1):c.1769A>T (p.Lys590Ile)

Gene: GABBR1 (gamma-aminobutyric acid type B receptor subunit 1; minus strand). Cytogenetic location: 6p22.1.
Variant type: single nucleotide variant.
Coding change: c.1769A>T on transcript NM_001470.4 (MANE Select); coding-DNA position 1769, A replaced by T.
Protein change: p.Lys590Ile; replaces lysine 590 with isoleucine.
Molecular consequence: missense variant.
Genome position (GRCh38, 1-based): chr6:29,609,319, T>A on the plus strand (A>T on the coding strand, the complement: GABBR1 is on the minus strand). VCF-style: chr6-29609319-T-A. GRCh37 (hg19) VCF-style: chr6-29577096-T-A.
Other names: c.1238A>T, p.Lys413Ile (NM_001319053.2); c.1418A>T, p.Lys473Ile (NM_021903.3); c.1583A>T, p.Lys528Ile (NM_021904.4); short protein forms K413I, K473I, K528I, K590I.
Identifiers: ClinVar variation 3361385 (VCV003361385.1).